The following is an entry in ClinVar:

ClinVar aggregate classification (germline): Pathogenic. Review status: criteria provided, multiple submitters, no conflicts (2 of 4 stars). 2 submissions from 2 submitters: Pathogenic (2). Last evaluated 2025-11-14.

Submissions (2):

GeneDx
Classification: Pathogenic. Last evaluated: 2025-11-14. Review status: criteria provided, single submitter. Criteria: GeneDx Variant Classification Process June 2021. Collection method: clinical testing. Allele origin: germline. Affected: yes.
Comment: Nonsense variant predicted to result in protein truncation or nonsense mediated decay in a gene for which loss of function is a known mechanism of disease; Not observed at significant frequency in large population cohorts (gnomAD); This variant is associated with the following publications: (PMID: 33057194, 36368308, 35982159, 33004838, 34088660, 38958063, 31526516)

Institute of Medical Genetics and Applied Genomics, University Hospital Tübingen
Classification: Pathogenic. Last evaluated: 2020-10-23. Review status: criteria provided, single submitter. Criteria: ACMG Guidelines, 2015. Collection method: clinical testing. Allele origin: germline. Inheritance: Autosomal dominant inheritance. Affected: yes.

NM_001170629.2(CHD8):c.5389C>T (p.Arg1797Ter)

Gene: CHD8 (chromodomain helicase DNA binding protein 8; minus strand). Cytogenetic location: 14q11.2.
Variant type: single nucleotide variant.
Coding change: c.5389C>T on transcript NM_001170629.2 (MANE Select); coding-DNA position 5389, C replaced by T.
Protein change: p.Arg1797Ter; replaces arginine 1797 with a stop codon.
Molecular consequence: nonsense.
Genome position (GRCh38, 1-based): chr14:21,394,913, G>A on the plus strand (C>T on the coding strand, the complement: CHD8 is on the minus strand). VCF-style: chr14-21394913-G-A. GRCh37 (hg19) VCF-style: chr14-21863072-G-A.
Other names: c.4552C>T, p.Arg1518Ter (NM_020920.4); short protein forms R1518*, R1797*.
Identifiers: ClinVar variation 987389 (VCV000987389.8), dbSNP rs1887710442, ClinGen allele CA388883784.